The following is an entry in ClinVar:

ClinVar aggregate classification (germline): Uncertain significance (1 of 4 stars; one submission).

Conditions:
SMS-related disorder. Also called: SMS-related condition.

gnomAD v4.1: 1 of 1,209,330 alleles (0.000083%); highest among the groups gnomAD compares: Non-Finnish European, 0.00011%; no homozygotes.

Submission:

PreventionGenetics, part of Exact Sciences
Classification: Uncertain significance for SMS-related condition. Last evaluated: 2023-02-21. Review status: criteria provided, single submitter. Criteria: ACMG Guidelines, 2015. Collection method: clinical testing. Allele origin: germline.
Comment: The SMS c.111G>T variant is predicted to result in the amino acid substitution p.Glu37Asp. To our knowledge, this variant has not been reported in the literature or in a large population database, indicating this variant is rare. At this time, the clinical significance of this variant is uncertain due to the absence of conclusive functional and genetic evidence.

NM_004595.5(SMS):c.111G>T (p.Glu37Asp)

Gene: SMS (spermine synthase; plus strand). Cytogenetic location: Xp22.11.
Variant type: single nucleotide variant.
Coding change: c.111G>T on transcript NM_004595.5 (MANE Select); coding-DNA position 111, G replaced by T.
Protein change: p.Glu37Asp; replaces glutamic acid 37 with aspartic acid.
Molecular consequence: missense variant.
Genome position (GRCh38, 1-based): chrX:21,967,257, G>T. VCF-style: chrX-21967257-G-T. GRCh37 (hg19) VCF-style: chrX-21985375-G-T.
Other names: c.111G>T, p.Glu37Asp (NM_001258423.2); short protein forms E37D.
Identifiers: ClinVar variation 2630057 (VCV002630057.1), dbSNP rs762162684, ClinGen allele CA412563907.
Genomic context (GRCh38, chrX:21,967,257, plus strand): 5'-TGATGGTGAGACCATTCTAAAAGGCCTCCAGTCCATTTTCCAGGAGCAGGGGATGGCGGA[G>T]TCGGTGCACACCTGGCAGGACCATGGCTATTTAGCAACCTACACAAACAAGAACGGCAGG-3'
Protein context (NP_004586.2, residues 27-47): QSIFQEQGMA[Glu37Asp]SVHTWQDHGY